The following is an entry in ClinVar:

NM_014956.5(CEP164):c.3870G>A (p.Pro1290=)

Gene: CEP164 (centrosomal protein 164; plus strand). Cytogenetic location: 11q23.3.
Variant type: single nucleotide variant.
Coding change: c.3870G>A on transcript NM_014956.5 (MANE Select); coding-DNA position 3870, G replaced by A.
Protein change: p.Pro1290=; no amino-acid change (proline 1290 retained).
Molecular consequence: synonymous variant.
Genome position (GRCh38, 1-based): chr11:117,409,739, G>A. VCF-style: chr11-117409739-G-A. GRCh37 (hg19) VCF-style: chr11-117280455-G-A.
Other names: c.3855G>A, p.Pro1285= (NM_001271933.2); c.3870G>A (NM_014956.4).
Identifiers: ClinVar variation 1966709 (VCV001966709.7), dbSNP rs371367995, ClinGen allele CA6295603.

ClinVar aggregate classification (germline): Likely benign. Review status: criteria provided, multiple submitters, no conflicts (2 of 4 stars). 3 submissions from 3 submitters: Likely benign (3). Last evaluated 2025-11-11.

Conditions:
CEP164-related disorder. Also called: CEP164-related condition.
Nephronophthisis 15 (NPHP15). Identifiers: Orphanet 3156, MedGen C3541853, MONDO:0013917, OMIM 614845.

Allele frequency attached by ClinVar (database versions not stated): gnomAD 0.00001; gnomAD exomes 0.00002; TOPMed 0.00002; ESP Exome Variant Server 0.00008; ExAC 0.00001.
gnomAD v4.1: 25 of 1,613,762 alleles (0.0015%); highest among the groups gnomAD compares: Middle Eastern, 0.016%; no homozygotes.

Submissions (3):

PreventionGenetics, part of Exact Sciences
Classification: Likely benign for CEP164-related condition. Last evaluated: 2025-11-11. Review status: criteria provided, single submitter. Criteria: ACMG Guidelines, 2015. Collection method: clinical testing. Allele origin: germline.
Comment: This variant is classified as likely benign based on ACMG/AMP sequence variant interpretation guidelines (Richards et al. 2015 PMID: 25741868, with internal and published modifications).

Labcorp Genetics (formerly Invitae), Labcorp
Classification: Likely benign for Nephronophthisis 15. Last evaluated: 2025-10-27. Review status: criteria provided, single submitter. Criteria: Invitae Variant Classification Sherloc (09022015). Collection method: clinical testing. Allele origin: germline.

Blueprint Genetics
Classification: Likely benign. Last evaluated: 2021-09-22. Review status: criteria provided, single submitter. Criteria: ACMG Guidelines, 2015. Collection method: clinical testing. Allele origin: germline.